The following is an entry in ClinVar:

NM_005591.4(MRE11):c.254G>T (p.Gly85Val)

Gene: MRE11 (MRE11 double strand break repair nuclease; minus strand). Cytogenetic location: 11q21.
Variant type: single nucleotide variant.
Coding change: c.254G>T on transcript NM_005591.4 (MANE Select); coding-DNA position 254, G replaced by T.
Protein change: p.Gly85Val; replaces glycine 85 with valine.
Molecular consequence: missense variant.
Genome position (GRCh38, 1-based): chr11:94,485,984, C>A on the plus strand (G>T on the coding strand, the complement: MRE11 is on the minus strand). VCF-style: chr11-94485984-C-A. GRCh37 (hg19) VCF-style: chr11-94219150-C-A.
Other names: c.254G>T, p.Gly85Val (NM_001330347.2, NM_005590.4); short protein forms G85V.
Identifiers: ClinVar variation 3397856 (VCV003397856.1).

ClinVar aggregate classification (germline): Uncertain significance (1 of 4 stars; one submission).

Conditions:
Hereditary cancer-predisposing syndrome. Also called: Hereditary Cancer Syndrome; Tumor predisposition; Hereditary neoplastic syndrome; Neoplastic Syndromes, Hereditary. Identifiers: Orphanet 140162, MedGen C0027672, MeSH D009386, MONDO:0015356.

Submission:

Ambry Genetics
Classification: Uncertain significance for Hereditary cancer-predisposing syndrome. Last evaluated: 2024-09-08. Review status: criteria provided, single submitter. Criteria: Ambry Variant Classification Scheme 2023. Collection method: clinical testing. Allele origin: germline.
Comment: The p.G85V variant (also known as c.254G>T), located in coding exon 3 of the MRE11A gene, results from a G to T substitution at nucleotide position 254. The glycine at codon 85 is replaced by valine, an amino acid with dissimilar properties. This amino acid position is conserved. In addition, this alteration is predicted to be deleterious by in silico analysis. Based on the available evidence, the clinical significance of this variant remains unclear.